The following is an entry in ClinVar:

NM_000812.4(GABRB1):c.1045A>G (p.Asn349Asp)

Gene: GABRB1 (gamma-aminobutyric acid type A receptor subunit beta1; plus strand). Cytogenetic location: 4p12.
Variant type: single nucleotide variant.
Coding change: c.1045A>G on transcript NM_000812.4 (MANE Select); coding-DNA position 1045, A replaced by G.
Protein change: p.Asn349Asp; replaces asparagine 349 with aspartic acid.
Molecular consequence: missense variant.
Genome position (GRCh38, 1-based): chr4:47,406,891, A>G. VCF-style: chr4-47406891-A-G. GRCh37 (hg19) VCF-style: chr4-47408908-A-G.
Other names: short protein forms N349D.
Identifiers: ClinVar variation 2864582 (VCV002864582.3), dbSNP rs2475468745, ClinGen allele CA356811971.
Genomic context (GRCh38, chr4:47,406,891, plus strand): 5'-TACATCTTCTTTGGGAAAGGCCCTCAGAAAAAGGGAGCTAGCAAACAAGACCAGAGTGCC[A>G]ATGAGAAGAATAAACTGGAGATGAATAAAGTCCAGGTAAGATATTAAATATTCCTAACAA-3'
Protein context (NP_000803.2, residues 339-359): KGASKQDQSA[Asn349Asp]EKNKLEMNKV

ClinVar aggregate classification (germline): Uncertain significance (1 of 4 stars; one submission).

Submission:

Labcorp Genetics (formerly Invitae), Labcorp
Classification: Uncertain significance. Last evaluated: 2023-05-22. Review status: criteria provided, single submitter. Criteria: Invitae Variant Classification Sherloc (09022015). Collection method: clinical testing. Allele origin: germline.
Comment: In summary, the available evidence is currently insufficient to determine the role of this variant in disease. Therefore, it has been classified as a Variant of Uncertain Significance. This sequence change replaces asparagine, which is neutral and polar, with aspartic acid, which is acidic and polar, at codon 349 of the GABRB1 protein (p.Asn349Asp). This variant is not present in population databases (gnomAD no frequency). This variant has not been reported in the literature in individuals affected with GABRB1-related conditions. Advanced modeling of protein sequence and biophysical properties (such as structural, functional, and spatial information, amino acid conservation, physicochemical variation, residue mobility, and thermodynamic stability) performed at Invitae indicates that this missense variant is not expected to disrupt GABRB1 protein function.